The following is an entry in ClinVar:

NM_001291867.2(NHS):c.1205T>A (p.Ile402Asn)

Gene: NHS (NHS actin remodeling regulator; plus strand). Cytogenetic location: Xp22.13.
Variant type: single nucleotide variant.
Coding change: c.1205T>A on transcript NM_001291867.2 (MANE Select); coding-DNA position 1205, T replaced by A.
Protein change: p.Ile402Asn; replaces isoleucine 402 with asparagine.
Molecular consequence: missense variant.
Genome position (GRCh38, 1-based): chrX:17,724,395, T>A. VCF-style: chrX-17724395-T-A. GRCh37 (hg19) VCF-style: chrX-17742515-T-A.
Other names: c.674T>A, p.Ile225Asn (NM_001136024.4); c.611T>A, p.Ile204Asn (NM_001291868.2); c.1142T>A, p.Ile381Asn (NM_198270.4); short protein forms I204N, I225N, I381N, I402N.
Identifiers: ClinVar variation 2499862 (VCV002499862.1), dbSNP rs2519932060, ClinGen allele CA412350145.
Genomic context (GRCh38, chrX:17,724,395, plus strand): 5'-CTCTGGTTCATTCACAATCGGTACTACAGCGGAGACGAAAATTGAGGAGGAGGAAAACCA[T>A]CTCGGGTATCCCCAGAAGAGTTCAACAAGAAATAGGTGTGATATCAAAAAATGTTAATGG-3'
Protein context (NP_001278796.1, residues 392-412): RRRKLRRRKT[Ile402Asn]SGIPRRVQQE

ClinVar aggregate classification (germline): Uncertain significance (1 of 4 stars; one submission).

Submission:

GeneDx
Classification: Uncertain significance. Last evaluated: 2022-10-20. Review status: criteria provided, single submitter. Criteria: GeneDx Variant Classification Process June 2021. Collection method: clinical testing. Allele origin: germline. Affected: yes.
Comment: Not observed at significant frequency in large population cohorts (gnomAD); In silico analysis supports that this missense variant has a deleterious effect on protein structure/function; Has not been previously published as pathogenic or benign to our knowledge